The following is an entry in ClinVar:

ClinVar aggregate classification (germline): Uncertain significance (1 of 4 stars; one submission).

Allele frequency attached by ClinVar (database versions not stated): gnomAD exomes 0.00002; ExAC 0.00005; gnomAD 0.00005; ESP Exome Variant Server 0.00015.
gnomAD v4.1: 36 of 1,601,158 alleles (0.0022%); highest among the groups gnomAD compares: African/African-American, 0.0067%; no homozygotes.

Submission:

CeGaT Center for Human Genetics Tuebingen
Classification: Uncertain significance. Last evaluated: 2022-05-01. Review status: criteria provided, single submitter. Criteria: CeGaT Center For Human Genetics Tuebingen Variant Classification Criteria Version 2. Collection method: clinical testing. Allele origin: germline. Affected: yes. Observed: 1 variant allele.
Comment: PDE11A: PP3

NM_016953.4(PDE11A):c.2221G>A (p.Ala741Thr)

Genes: PDE11A (phosphodiesterase 11A; minus strand), PDE11A-AS1 (PDE11A antisense RNA 1; plus strand). Cytogenetic location: 2q31.2.
Variant type: single nucleotide variant.
Coding change: c.2221G>A on transcript NM_016953.4 (MANE Select); coding-DNA position 2221, G replaced by A.
Protein change: p.Ala741Thr; replaces alanine 741 with threonine.
Molecular consequence: missense variant. On other transcripts: non-coding transcript variant (1).
Genome position (GRCh38, 1-based): chr2:177,701,144, C>T on the plus strand (G>A on the coding strand, the complement: PDE11A is on the minus strand). VCF-style: chr2-177701144-C-T. GRCh37 (hg19) VCF-style: chr2-178565872-C-T.
Other names: c.889G>A, p.Ala297Thr (NM_001077196.2); c.1471G>A, p.Ala491Thr (NM_001077197.2); c.1147G>A, p.Ala383Thr (NM_001077358.2); short protein forms A297T, A383T, A491T, A741T.
Identifiers: ClinVar variation 2651569 (VCV002651569.24), dbSNP rs144340688, ClinGen allele CA1981655.
Genomic context (GRCh38, chr2:177,701,144, plus strand): 5'-TTCTGTTAAGGGGAGAAGCAGAACATCAGGCCTGTACCTCACTTTGAAGGATCATCACGG[C>T]GTGGTTGAAATGGTGATGCTCCAAGGTAGCAGAGGTTCCATAGAGTTGGGCCAGGGCAGA-3'
Protein context (NP_058649.3, residues 731-751): ATLEHHHFNH[Ala741Thr]VMILQSEGHN